The following is an entry in ClinVar:

NM_003738.5(PTCH2):c.3272C>A (p.Ala1091Glu)

Gene: PTCH2 (patched 2; minus strand). Cytogenetic location: 1p34.1.
Variant type: single nucleotide variant.
Coding change: c.3272C>A on transcript NM_003738.5 (MANE Select); coding-DNA position 3272, C replaced by A.
Protein change: p.Ala1091Glu; replaces alanine 1091 with glutamic acid.
Molecular consequence: missense variant.
Genome position (GRCh38, 1-based): chr1:44,823,154, G>T on the plus strand (C>A on the coding strand, the complement: PTCH2 is on the minus strand). VCF-style: chr1-44823154-G-T. GRCh37 (hg19) VCF-style: chr1-45288826-G-T.
Other names: c.3272C>A, p.Ala1091Glu (NM_001166292.2); short protein forms A1091E.
Identifiers: ClinVar variation 1911566 (VCV001911566.5), dbSNP rs369600860, ClinGen allele CA822739.

ClinVar aggregate classification (germline): Uncertain significance (1 of 4 stars; one submission).

Conditions:
Gorlin syndrome. Also called: Basal cell nevus syndrome; Nevoid Basal Cell Carcinoma Syndrome. Identifiers: Orphanet 377, MedGen C0004779, MONDO:0007187.

Allele frequency attached by ClinVar (database versions not stated): gnomAD 0.00001; TOPMed 0.00001; ExAC 0.00004; ESP Exome Variant Server 0.00015.
gnomAD v4.1: 9 of 1,613,946 alleles (0.00056%); highest among the groups gnomAD compares: South Asian, 0.0022%; no homozygotes.

Submission:

Labcorp Genetics (formerly Invitae), Labcorp
Classification: Uncertain significance for Gorlin syndrome. Last evaluated: 2022-06-08. Review status: criteria provided, single submitter. Criteria: Invitae Variant Classification Sherloc (09022015). Collection method: clinical testing. Allele origin: germline.
Comment: This sequence change replaces alanine, which is neutral and non-polar, with glutamic acid, which is acidic and polar, at codon 1091 of the PTCH2 protein (p.Ala1091Glu). This variant is present in population databases (rs369600860, gnomAD 0.003%). This variant has not been reported in the literature in individuals affected with PTCH2-related conditions. Algorithms developed to predict the effect of missense changes on protein structure and function are either unavailable or do not agree on the potential impact of this missense change (SIFT: "Tolerated"; PolyPhen-2: "Possibly Damaging"; Align-GVGD: "Class C0"). In summary, the available evidence is currently insufficient to determine the role of this variant in disease. Therefore, it has been classified as a Variant of Uncertain Significance.